The following is an entry in ClinVar:

NM_000051.4(ATM):c.6386A>T (p.Tyr2129Phe)

Genes: ATM (ATM serine/threonine kinase; plus strand), C11orf65 (chromosome 11 open reading frame 65; minus strand). Cytogenetic location: 11q22.3.
Variant type: single nucleotide variant.
Coding change: c.6386A>T on transcript NM_000051.4 (MANE Select); coding-DNA position 6386, A replaced by T.
Protein change: p.Tyr2129Phe; replaces tyrosine 2129 with phenylalanine.
Molecular consequence: missense variant. On other transcripts: intron variant (2).
Genome position (GRCh38, 1-based): chr11:108,319,992, A>T. VCF-style: chr11-108319992-A-T. GRCh37 (hg19) VCF-style: chr11-108190719-A-T.
Other names: c.6386A>T, p.Tyr2129Phe (NM_001351834.2); c.641-10921T>A (NM_001330368.2); c.*39-10921T>A (NM_001351110.2); short protein forms Y2129F.
Identifiers: ClinVar variation 3802594 (VCV003802594.1).

ClinVar aggregate classification (germline): Uncertain significance (1 of 4 stars; one submission).

Conditions:
Hereditary cancer-predisposing syndrome. Also called: Neoplastic Syndromes, Hereditary; Tumor predisposition; Hereditary Cancer Syndrome; Hereditary neoplastic syndrome. Identifiers: Orphanet 140162, MedGen C0027672, MeSH D009386, MONDO:0015356.

Submission:

Ambry Genetics
Classification: Uncertain significance for Hereditary cancer-predisposing syndrome. Last evaluated: 2025-02-09. Review status: criteria provided, single submitter. Criteria: Ambry Variant Classification Scheme 2023. Collection method: clinical testing. Allele origin: germline.
Comment: The p.Y2129F variant (also known as c.6386A>T), located in coding exon 43 of the ATM gene, results from an A to T substitution at nucleotide position 6386. The tyrosine at codon 2129 is replaced by phenylalanine, an amino acid with highly similar properties. This amino acid position is conserved. In addition, this alteration is predicted to be tolerated by in silico analysis. Based on the available evidence, the clinical significance of this variant remains unclear.